The following is an entry in ClinVar:

NC_000011.10:g.47342826T>C

Gene: MYBPC3 (myosin binding protein C3; minus strand). Cytogenetic location: 11p11.2.
Variant type: single nucleotide variant.
Genome position: GRCh38 VCF-style: chr11-47342826-T-C. GRCh37 (hg19) VCF-style: chr11-47364377-T-C.
Other names: c.1457+4A>G (LRG_386t1, NM_000256.3).
Identifiers: ClinVar variation 264307 (VCV000264307.19), dbSNP rs886039119, ClinGen allele CA10587729.
Genomic context (GRCh38, chr11:47,342,826, plus strand): 5'-AAGTGCTGTGGCCTCTTCTGGGCAGATGCCCCCAACACCCATGCCCCGTGCTTCTGGAAC[T>C]CACCATTTGACTTGCGCCCCCTCCTCCGATACTTCACACTCAAACTCCACCCGCTGCCCC-3'

ClinVar aggregate classification (germline): Uncertain significance. Review status: criteria provided, multiple submitters, no conflicts (2 of 4 stars). 5 submissions from 5 submitters: Uncertain significance (5). Last evaluated 2025-12-13.

Conditions:
Cardiovascular phenotype. Identifiers: MedGen CN230736.
Cardiomyopathy (CMYO). Also called: Cardiomyopathies. Identifiers: Orphanet 167848, MedGen C0878544, MONDO:0004994, HP:0001638. Inheritance: Various modes of inheritance.
Hypertrophic cardiomyopathy 4. Also called: Familial hypertrophic cardiomyopathy 4. Identifiers: MedGen C1861862, MONDO:0007268, OMIM 115197.
Hypertrophic cardiomyopathy. Also called: HYPERTROPHIC MYOCARDIOPATHY. Identifiers: Orphanet 217569, MedGen C0007194, MeSH D002312, MONDO:0005045, HP:0001639.

Submissions (5):

Labcorp Genetics (formerly Invitae), Labcorp
Classification: Uncertain significance for Hypertrophic cardiomyopathy. Last evaluated: 2025-12-13. Review status: criteria provided, single submitter. Criteria: Invitae Variant Classification Sherloc (09022015). Collection method: clinical testing. Allele origin: germline.
Comment: This sequence change falls in intron 16 of the MYBPC3 gene. It does not directly change the encoded amino acid sequence of the MYBPC3 protein. It affects a nucleotide within the consensus splice site. This variant is not present in population databases (gnomAD no frequency). This variant has been observed in individual(s) with clinical features of hypertrophic cardiomyopathy (PMID: 25351510, 39472908; internal data). ClinVar contains an entry for this variant (Variation ID: 264307). Variants that disrupt the consensus splice site are a relatively common cause of aberrant splicing (PMID: 17576681, 9536098). Algorithms developed to predict the effect of sequence changes on RNA splicing suggest that this variant may disrupt the consensus splice site. In summary, the available evidence is currently insufficient to determine the role of this variant in disease. Therefore, it has been classified as a Variant of Uncertain Significance.

Ambry Genetics
Classification: Uncertain significance for Cardiovascular phenotype. Last evaluated: 2025-10-16. Review status: criteria provided, single submitter. Criteria: Ambry Variant Classification Scheme 2023. Collection method: clinical testing. Allele origin: germline.
Comment: The c.1457+4A>G intronic variant results from an A to G substitution 4 nucleotides after coding exon 16 in the MYBPC3 gene. This variant was reported in individual(s) with features consistent with hypertrophic cardiomyopathy (HCM) (Lopes LR et al. Heart, 2015 Feb;101:294-301; Patel PN et al. Circ Genom Precis Med, 2021 Oct;14:e003389; Ambry internal data). This nucleotide position is well conserved in available vertebrate species. In silico splice site analysis for this alteration is inconclusive. Since supporting evidence is limited at this time, the clinical significance of this alteration remains unclear.

Blueprint Genetics
Classification: Uncertain significance. Last evaluated: 2022-03-16. Review status: criteria provided, single submitter. Criteria: ACMG Guidelines, 2015. Collection method: clinical testing. Allele origin: germline.

CHEO Genetics Diagnostic Laboratory, Children's Hospital of Eastern Ontario
Classification: Uncertain significance for Cardiomyopathy. Last evaluated: 2021-12-17. Review status: criteria provided, single submitter. Criteria: ACMG Guidelines, 2015. Collection method: clinical testing. Allele origin: germline.

Neuberg Centre For Genomic Medicine, NCGM
Classification: Uncertain significance for Hypertrophic cardiomyopathy 4. Review status: criteria provided, single submitter. Criteria: ACMG Guidelines, 2015. Collection method: clinical testing. Allele origin: germline. Inheritance: Autosomal dominant inheritance. Affected: yes.
Comment: This sequence change falls in intron 16 of the MYBPC3 gene. It does not directly change the encoded amino acid sequence of the MYBPC3 protein, but it affects a nucleotide within the consensus splice site of the intron. This variant has been observed in individual(s) with clinical features of hypertrophic cardiomyopathy (Lopes LR et al). Nucleotide substitutions within the consensus splice site are a relatively common cause of aberrant splicing (Buratti E et al, Zhang MQ et al). The variant is novel (not in any individuals) in gnomAD Exomes and 1000 Genomes. This variant has been reported to the ClinVar database as uncertain significance. For these reasons, this variant has been classified as uncertain significance.

Literature cited by the submitters: PubMed 25351510 (cited by Labcorp Genetics (formerly Invitae), Labcorp and Ambry Genetics); PubMed 39472908 (cited by Labcorp Genetics (formerly Invitae), Labcorp); PubMed 17576681 (cited by Labcorp Genetics (formerly Invitae), Labcorp); PubMed 9536098 (cited by Labcorp Genetics (formerly Invitae), Labcorp); PubMed 34461741 (cited by Ambry Genetics).